The following is an entry in ClinVar:

NM_000179.3(MSH6):c.3667G>A (p.Asp1223Asn)

Gene: MSH6 (mutS homolog 6; plus strand). Cytogenetic location: 2p16.3.
Variant type: single nucleotide variant.
Coding change: c.3667G>A on transcript NM_000179.3 (MANE Select); coding-DNA position 3667, G replaced by A.
Protein change: p.Asp1223Asn; replaces aspartic acid 1223 with asparagine.
Molecular consequence: missense variant.
Genome position (GRCh38, 1-based): chr2:47,806,224, G>A. VCF-style: chr2-47806224-G-A. GRCh37 (hg19) VCF-style: chr2-48033363-G-A.
Other names: c.3277G>A, p.Asp1093Asn (NM_001281492.2); c.2761G>A, p.Asp921Asn (NM_001281493.2, NM_001281494.2); c.3667G>A (NM_000179.2); short protein forms D1093N, D1223N, D921N.
Identifiers: ClinVar variation 1493059 (VCV001493059.9), dbSNP rs2104537711, ClinGen allele CA346760845.
Genomic context (GRCh38, chr2:47,806,224, plus strand): 5'-TCCTTTGAGTTACTTCCTTATGCATATTTTACTTTAACAGGAAGAGGTACTGCAACATTT[G>A]ATGGGACGGCAATAGCAAATGCAGTTGTTAAAGAACTTGCTGAGACTATAAAATGTCGTA-3'
Protein context (NP_000170.1, residues 1213-1233): DELGRGTATF[Asp1223Asn]GTAIANAVVK

ClinVar aggregate classification (germline): Uncertain significance. Review status: criteria provided, multiple submitters, no conflicts (2 of 4 stars). 2 submissions from 2 submitters: Uncertain significance (2). Last evaluated 2026-02-20.

Conditions:
Hereditary cancer-predisposing syndrome. Also called: Neoplastic Syndromes, Hereditary; Tumor predisposition; Hereditary Cancer Syndrome; Hereditary neoplastic syndrome. Identifiers: Orphanet 140162, MedGen C0027672, MeSH D009386, MONDO:0015356.
Hereditary nonpolyposis colorectal neoplasms. Identifiers: MedGen C0009405, MeSH D003123.

Submissions (2):

Ambry Genetics
Classification: Uncertain significance for Hereditary cancer-predisposing syndrome. Last evaluated: 2026-02-20. Review status: criteria provided, single submitter. Criteria: Ambry Variant Classification Scheme 2023. Collection method: clinical testing. Allele origin: germline.
Comment: The p.D1223N variant (also known as c.3667G>A), located in coding exon 8 of the MSH6 gene, results from a G to A substitution at nucleotide position 3667. The aspartic acid at codon 1223 is replaced by asparagine, an amino acid with highly similar properties. This amino acid position is highly conserved in available vertebrate species. In addition, the in silico prediction for this alteration is inconclusive. Based on the available evidence, the clinical significance of this variant remains unclear.

Labcorp Genetics (formerly Invitae), Labcorp
Classification: Uncertain significance for Hereditary nonpolyposis colorectal neoplasms. Last evaluated: 2021-05-20. Review status: criteria provided, single submitter. Criteria: Invitae Variant Classification Sherloc (09022015). Collection method: clinical testing. Allele origin: germline.
Comment: This variant has not been reported in the literature in individuals with MSH6-related conditions. This variant is not present in population databases (ExAC no frequency). This sequence change replaces aspartic acid with asparagine at codon 1223 of the MSH6 protein (p.Asp1223Asn). The aspartic acid residue is highly conserved and there is a small physicochemical difference between aspartic acid and asparagine. In summary, the available evidence is currently insufficient to determine the role of this variant in disease. Therefore, it has been classified as a Variant of Uncertain Significance. Advanced modeling of protein sequence and biophysical properties (such as structural, functional, and spatial information, amino acid conservation, physicochemical variation, residue mobility, and thermodynamic stability) performed at Invitae indicates that this missense variant is expected to disrupt MSH6 protein function.